The following is an entry in ClinVar:

ClinVar aggregate classification (germline): Pathogenic (1 of 4 stars; one submission).

Submission:

Labcorp Genetics (formerly Invitae), Labcorp
Classification: Pathogenic. Last evaluated: 2023-05-02. Review status: criteria provided, single submitter. Criteria: Invitae Variant Classification Sherloc (09022015). Collection method: clinical testing. Allele origin: germline.
Comment: For these reasons, this variant has been classified as Pathogenic. Algorithms developed to predict the effect of sequence changes on RNA splicing suggest that this variant may create or strengthen a splice site. This variant has not been reported in the literature in individuals affected with ABCC6-related conditions. This variant is not present in population databases (gnomAD no frequency). This sequence change creates a premature translational stop signal (p.Gln1102*) in the ABCC6 gene. It is expected to result in an absent or disrupted protein product. Loss-of-function variants in ABCC6 are known to be pathogenic (PMID: 11536079, 17617515).

Literature cited by the submitters: PubMed 11536079; PubMed 17617515.

NM_001171.6(ABCC6):c.3304C>T (p.Gln1102Ter)

Gene: ABCC6 (ATP binding cassette subfamily C member 6; minus strand). Cytogenetic location: 16p13.11.
Variant type: single nucleotide variant.
Coding change: c.3304C>T on transcript NM_001171.6 (MANE Select); coding-DNA position 3304, C replaced by T.
Protein change: p.Gln1102Ter; replaces glutamine 1102 with a stop codon.
Molecular consequence: nonsense. On other transcripts: non-coding transcript variant (1).
Genome position (GRCh38, 1-based): chr16:16,165,625, G>A on the plus strand (C>T on the coding strand, the complement: ABCC6 is on the minus strand). VCF-style: chr16-16165625-G-A. GRCh37 (hg19) VCF-style: chr16-16259482-G-A.
Other names: c.2962C>T, p.Gln988Ter (NM_001351800.1); short protein forms Q988*, Q1102*.
Identifiers: ClinVar variation 2859790 (VCV002859790.3), dbSNP rs2510966747, ClinGen allele CA394882482.